The following is an entry in ClinVar:

NM_006736.6(DNAJB2):c.493C>T (p.Arg165Cys)

Gene: DNAJB2 (DnaJ heat shock protein family (Hsp40) member B2; plus strand). Cytogenetic location: 2q35.
Variant type: single nucleotide variant.
Coding change: c.493C>T on transcript NM_006736.6 (MANE Select); coding-DNA position 493, C replaced by T.
Protein change: p.Arg165Cys; replaces arginine 165 with cysteine.
Molecular consequence: missense variant.
Genome position (GRCh38, 1-based): chr2:219,283,180, C>T. VCF-style: chr2-219283180-C-T. GRCh37 (hg19) VCF-style: chr2-220147902-C-T.
Other names: c.493C>T, p.Arg165Cys (NM_001039550.2); short protein forms R165C.
Identifiers: ClinVar variation 573941 (VCV000573941.7), dbSNP rs544935330, ClinGen allele CA2123010.

ClinVar aggregate classification (germline): Uncertain significance. Review status: criteria provided, multiple submitters, no conflicts (2 of 4 stars). 2 submissions from 2 submitters: Uncertain significance (2). Last evaluated 2022-03-20.

Conditions:
Charcot-Marie-Tooth disease. Also called: Charcot-Marie-Tooth Hereditary Neuropathy; Charcot-Marie-Tooth Neuropathy. Identifiers: Orphanet 166, MedGen C0007959, MONDO:0015626.
Neuronopathy, distal hereditary motor, autosomal recessive 5. Also called: NEUROPATHY, DISTAL HEREDITARY MOTOR, AUTOSOMAL RECESSIVE 5; Spinal muscular atrophy, distal, autosomal recessive, 5; Young adult-onset distal hereditary motor neuropathy. Identifiers: Orphanet 314485, Orphanet 443950, MedGen C4749918, MONDO:0013947, OMIM 614881.

Allele frequency attached by ClinVar (database versions not stated): gnomAD 0.00003 and 0.00008; TOPMed 0.00004; gnomAD exomes 0.00008 and 0.00017; ExAC 0.00017; 1000 Genomes Project 30x 0.00031; 1000 Genomes Project 0.00040.

Submissions (2):

Labcorp Genetics (formerly Invitae), Labcorp
Classification: Uncertain significance for Neuronopathy, distal hereditary motor, autosomal recessive 5. Last evaluated: 2022-03-20. Review status: criteria provided, single submitter. Criteria: Invitae Variant Classification Sherloc (09022015). Collection method: clinical testing. Allele origin: germline.
Comment: This sequence change replaces arginine, which is basic and polar, with cysteine, which is neutral and slightly polar, at codon 165 of the DNAJB2 protein (p.Arg165Cys). This variant is present in population databases (rs544935330, gnomAD 0.1%). This variant has not been reported in the literature in individuals affected with DNAJB2-related conditions. ClinVar contains an entry for this variant (Variation ID: 573941). Algorithms developed to predict the effect of missense changes on protein structure and function are either unavailable or do not agree on the potential impact of this missense change (SIFT: "Tolerated"; PolyPhen-2: "Possibly Damaging"; Align-GVGD: "Class C0"). In summary, the available evidence is currently insufficient to determine the role of this variant in disease. Therefore, it has been classified as a Variant of Uncertain Significance.

Molecular Genetics Laboratory, London Health Sciences Centre
Classification: Uncertain significance for Charcot-Marie-Tooth disease. Review status: criteria provided, single submitter. Criteria: ACMG Guidelines, 2015. Collection method: clinical testing. Allele origin: germline. Affected: yes.